The following is an entry in ClinVar:

NM_005502.4(ABCA1):c.4030C>T (p.Arg1344Trp)

Gene: ABCA1 (ATP binding cassette subfamily A member 1; minus strand). Cytogenetic location: 9q31.1.
Variant type: single nucleotide variant.
Coding change: c.4030C>T on transcript NM_005502.4 (MANE Select); coding-DNA position 4030, C replaced by T.
Protein change: p.Arg1344Trp; replaces arginine 1344 with tryptophan.
Molecular consequence: missense variant.
Genome position (GRCh38, 1-based): chr9:104,812,594, G>A on the plus strand (C>T on the coding strand, the complement: ABCA1 is on the minus strand). VCF-style: chr9-104812594-G-A. GRCh37 (hg19) VCF-style: chr9-107574875-G-A.
Other names: c.4030C>T (NM_005502.3); short protein forms R1344W.
Identifiers: ClinVar variation 1418194 (VCV001418194.8), dbSNP rs193087674, ClinGen allele CA5168269.

ClinVar aggregate classification (germline): Uncertain significance. Review status: criteria provided, multiple submitters, no conflicts (2 of 4 stars). 2 submissions from 2 submitters: Uncertain significance (2). Last evaluated 2026-01-24.

Conditions:
ABCA1-related disorder. Also called: ABCA1-related disorders; ABCA1-related condition. Identifiers: MedGen CN239173.

Allele frequency attached by ClinVar (database versions not stated): ExAC 0.00002; gnomAD 0.00004; gnomAD exomes 0.00004; TOPMed 0.00006; 1000 Genomes Project 0.00020; 1000 Genomes Project 30x 0.00031.

Submissions (2):

PreventionGenetics, part of Exact Sciences
Classification: Uncertain significance for ABCA1-related condition. Last evaluated: 2026-01-24. Review status: criteria provided, single submitter. Criteria: ACMG Guidelines, 2015. Collection method: clinical testing. Allele origin: germline.
Comment: The ABCA1 c.4030C>T variant is predicted to result in the amino acid substitution p.Arg1344Trp. To our knowledge, this variant has not been reported in the literature in individuals with ABCA1-related disorders. This variant is reported in 0.0054% of alleles in individuals of European (Non-Finnish) descent in gnomAD. At this time, the clinical significance of this variant is uncertain due to the absence of conclusive functional and genetic evidence.

Labcorp Genetics (formerly Invitae), Labcorp
Classification: Uncertain significance. Last evaluated: 2021-12-02. Review status: criteria provided, single submitter. Criteria: Invitae Variant Classification Sherloc (09022015). Collection method: clinical testing. Allele origin: germline.
Comment: Advanced modeling of protein sequence and biophysical properties (such as structural, functional, and spatial information, amino acid conservation, physicochemical variation, residue mobility, and thermodynamic stability) performed at Invitae indicates that this missense variant is not expected to disrupt ABCA1 protein function. This sequence change replaces arginine, which is basic and polar, with tryptophan, which is neutral and slightly polar, at codon 1344 of the ABCA1 protein (p.Arg1344Trp). This variant is present in population databases (rs193087674, gnomAD 0.004%). This variant has not been reported in the literature in individuals affected with ABCA1-related conditions. In summary, the available evidence is currently insufficient to determine the role of this variant in disease. Therefore, it has been classified as a Variant of Uncertain Significance.